The following is an entry in ClinVar:

NM_174916.3(UBR1):c.3178G>A (p.Gly1060Arg)

Gene: UBR1 (ubiquitin protein ligase E3 component n-recognin 1; minus strand). Cytogenetic location: 15q15.2.
Variant type: single nucleotide variant.
Coding change: c.3178G>A on transcript NM_174916.3 (MANE Select); coding-DNA position 3178, G replaced by A.
Protein change: p.Gly1060Arg; replaces glycine 1060 with arginine.
Molecular consequence: missense variant.
Genome position (GRCh38, 1-based): chr15:43,015,719, C>T on the plus strand (G>A on the coding strand, the complement: UBR1 is on the minus strand). VCF-style: chr15-43015719-C-T. GRCh37 (hg19) VCF-style: chr15-43307917-C-T.
Other names: short protein forms G1060R.
Identifiers: ClinVar variation 2635265 (VCV002635265.1), dbSNP rs1198901772, ClinGen allele CA392061713.

ClinVar aggregate classification (germline): Uncertain significance (1 of 4 stars; one submission).

Conditions:
UBR1-related disorder. Also called: UBR1-related condition.

Allele frequency attached by ClinVar (database versions not stated): gnomAD exomes below 0.00001; TOPMed below 0.00001.
gnomAD v4.1: 2 of 1,613,974 alleles (0.00012%); highest among the groups gnomAD compares: Admixed American, 0.0033%; no homozygotes.

Submission:

PreventionGenetics, part of Exact Sciences
Classification: Uncertain significance for UBR1-related condition. Last evaluated: 2022-11-07. Review status: criteria provided, single submitter. Criteria: ACMG Guidelines, 2015. Collection method: clinical testing. Allele origin: germline.
Comment: The UBR1 c.3178G>A variant is predicted to result in the amino acid substitution p.Gly1060Arg. To our knowledge, this variant has not been reported in the literature. This variant is reported in 0.0087% of alleles in individuals of Latino descent in gnomAD. At this time, the clinical significance of this variant is uncertain due to the absence of conclusive functional and genetic evidence.